The following is an entry in ClinVar:

NM_004415.4(DSP):c.1519T>C (p.Ser507Pro)

Gene: DSP (desmoplakin; plus strand). Cytogenetic location: 6p24.3.
Variant type: single nucleotide variant.
Coding change: c.1519T>C on transcript NM_004415.4 (MANE Select); coding-DNA position 1519, T replaced by C.
Protein change: p.Ser507Pro; replaces serine 507 with proline.
Molecular consequence: missense variant.
Genome position (GRCh38, 1-based): chr6:7,569,285, T>C. VCF-style: chr6-7569285-T-C. GRCh37 (hg19) VCF-style: chr6-7569518-T-C.
Other names: c.1519T>C, p.Ser507Pro (NM_001008844.3, NM_001319034.2); short protein forms S507P.
Identifiers: ClinVar variation 928122 (VCV000928122.5), dbSNP rs1758967074, ClinGen allele CA362677697.

ClinVar aggregate classification (germline): Uncertain significance (1 of 4 stars; one submission).

Conditions:
Cardiomyopathy (CMYO). Also called: Cardiomyopathies. Identifiers: Orphanet 167848, MedGen C0878544, MONDO:0004994, HP:0001638. Inheritance: Various modes of inheritance.

Submission:

Color Diagnostics, LLC DBA Color Health
Classification: Uncertain significance for Cardiomyopathy. Last evaluated: 2023-12-05. Review status: criteria provided, single submitter. Criteria: ACMG Guidelines, 2015. Collection method: clinical testing. Allele origin: germline.
Comment: Variant of Uncertain Significance due to insufficient evidence: This missense variant replaces serine with proline at codon 507 of the DSP protein. Computational prediction tools and conservation analyses suggest that this variant may have deleterious impact on the protein function. Computational splicing tools suggest that this variant may not impact RNA splicing. To our knowledge, functional assays have not been performed for this variant nor has this variant been reported in individuals affected with cardiovascular disorders in the literature. This variant is rare in the general population and has been identified in 0/277264 chromosomes by the Genome Aggregation Database (gnomAD). Available evidence is insufficient to determine the role of this variant in disease conclusively.